The following is an entry in ClinVar:

NM_000256.3(MYBPC3):c.2731_2737+19del

Gene: MYBPC3 (myosin binding protein C3; minus strand). Cytogenetic location: 11p11.2.
Variant type: Deletion.
Coding change: c.2731_2737+19del on transcript NM_000256.3 (MANE Select); coding-DNA position 2731 through 19 bases into the intron after coding-DNA position 2737, 26 bases deleted (GAGGGCTGTGAGTGTCCCCGCCCCCA).
Molecular consequence: splice donor variant.
Genome position (GRCh38, 1-based): chr11:47,335,858-47,335,883, TGGGGGCGGGGACACTCACAGCCCTC deleted on the plus strand (GAGGGCTGTGAGTGTCCCCGCCCCCA on the coding strand, the reverse complement: MYBPC3 is on the minus strand); deleting any 26 consecutive bases within chr11:47,335,858-47,335,887 gives the same sequence; the c. name uses the placement nearest the transcript's 3' end. VCF-style (leftmost placement, unchanged base first): chr11-47335857-TTGGGGGCGGGGACACTCACAGCCCTC-T. GRCh37 (hg19) VCF-style: chr11-47357408-TTGGGGGCGGGGACACTCACAGCCCTC-T.
Identifiers: ClinVar variation 959551 (VCV000959551.7), dbSNP rs2095881691, ClinGen allele CA1139659399.

ClinVar aggregate classification (germline): Likely pathogenic (1 of 4 stars; one submission).

Conditions:
Hypertrophic cardiomyopathy. Also called: HYPERTROPHIC MYOCARDIOPATHY. Identifiers: Orphanet 217569, MedGen C0007194, MeSH D002312, MONDO:0005045, HP:0001639.

Submission:

Labcorp Genetics (formerly Invitae), Labcorp
Classification: Likely pathogenic for Hypertrophic cardiomyopathy. Last evaluated: 2019-11-10. Review status: criteria provided, single submitter. Criteria: Invitae Variant Classification Sherloc (09022015). Collection method: clinical testing. Allele origin: germline.
Comment: This variant results in the deletion of part of exon 26 (c.2731_2737+19del) of the MYBPC3 gene. It is expected to disrupt RNA splicing and likely results in an absent or disrupted protein product. The frequency data for this variant in the population databases is considered unreliable, as metrics indicate insufficient coverage at this position in the ExAC database. This variant has not been reported in the literature in individuals with MYBPC3-related conditions. Algorithms developed to predict the effect of sequence changes on RNA splicing suggest that this variant may disrupt the consensus splice site, but this prediction has not been confirmed by published transcriptional studies. Loss-of-function variants in MYBPC3 are known to be pathogenic (PMID: 19574547). In summary, the currently available evidence indicates that the variant is pathogenic, but additional data are needed to prove that conclusively. Therefore, this variant has been classified as Likely Pathogenic.

Literature cited by the submitters: PubMed 19574547.